The following is an entry in ClinVar:

ClinVar aggregate classification (germline): Benign/Likely benign. Review status: criteria provided, multiple submitters, no conflicts (2 of 4 stars). 3 submissions from 3 submitters: Benign (1); Likely benign (2). Last evaluated 2026-03-16.

Conditions:
Hereditary cancer-predisposing syndrome. Also called: Hereditary Cancer Syndrome; Neoplastic Syndromes, Hereditary; Hereditary neoplastic syndrome; Tumor predisposition. Identifiers: Orphanet 140162, MedGen C0027672, MeSH D009386, MONDO:0015356.
Ataxia-telangiectasia syndrome (AT). Also called: LOUIS-BAR SYNDROME; Ataxia-telangiectasia, complementation group E; Ataxia telangiectasia (A-T); Cerebello-oculocutaneous telangiectasia; Immunodeficiency with ataxia telangiectasia; Ataxia-telangiectasia, complementation group D. Identifiers: Orphanet 100, MedGen C0004135, MONDO:0008840, OMIM 208900.
Familial cancer of breast. Also called: BREAST CANCER, FAMILIAL; Hereditary breast cancer; hereditary breast carcinoma. Identifiers: Orphanet 227535, MedGen C0346153, MONDO:0016419, OMIM 114480. Disease mechanism: loss of function.

Submissions (3):

Ambry Genetics
Classification: Likely benign for Hereditary cancer-predisposing syndrome. Last evaluated: 2026-03-16. Review status: criteria provided, single submitter. Criteria: Ambry Variant Classification Scheme 2023. Collection method: clinical testing. Allele origin: germline.

Myriad Genetics, Inc.
Classification: Benign for Familial cancer of breast. Last evaluated: 2024-05-21. Review status: criteria provided, single submitter. Criteria: Myriad Autosomal Dominant, Autosomal Recessive and X-Linked Classification Criteria (2023). Collection method: clinical testing. Allele origin: unknown.
Comment: This variant is considered benign. This variant is a silent/synonymous amino acid change and it is not expected to impact splicing.

Labcorp Genetics (formerly Invitae), Labcorp
Classification: Likely benign for Ataxia-telangiectasia syndrome. Last evaluated: 2021-07-15. Review status: criteria provided, single submitter. Criteria: Invitae Variant Classification Sherloc (09022015). Collection method: clinical testing. Allele origin: germline.

NM_000051.4(ATM):c.4866A>G (p.Glu1622=)

Gene: ATM (ATM serine/threonine kinase; plus strand). Cytogenetic location: 11q22.3.
Variant type: single nucleotide variant.
Coding change: c.4866A>G on transcript NM_000051.4 (MANE Select); coding-DNA position 4866, A replaced by G.
Protein change: p.Glu1622=; no amino-acid change (glutamic acid 1622 retained).
Molecular consequence: synonymous variant.
Genome position (GRCh38, 1-based): chr11:108,295,016, A>G. VCF-style: chr11-108295016-A-G. GRCh37 (hg19) VCF-style: chr11-108165743-A-G.
Other names: c.4866A>G, p.Glu1622= (NM_001351834.2); c.4866A>G (NM_000051.3).
Identifiers: ClinVar variation 1554788 (VCV001554788.5), dbSNP rs2135836682, ClinGen allele CA476674547.